The following is an entry in ClinVar:

NM_001042492.3(NF1):c.462T>C (p.Phe154=)

Gene: NF1 (neurofibromin 1; plus strand). Cytogenetic location: 17q11.2.
Variant type: single nucleotide variant.
Coding change: c.462T>C on transcript NM_001042492.3 (MANE Select); coding-DNA position 462, T replaced by C.
Protein change: p.Phe154=; no amino-acid change (phenylalanine 154 retained).
Molecular consequence: synonymous variant.
Genome position (GRCh38, 1-based): chr17:31,163,359, T>C. VCF-style: chr17-31163359-T-C. GRCh37 (hg19) VCF-style: chr17-29490377-T-C.
Other names: c.462T>C, p.Phe154= (NM_000267.4, NM_001128147.3).
Identifiers: ClinVar variation 1080617 (VCV001080617.10), dbSNP rs750268216, ClinGen allele CA8485539.

ClinVar aggregate classification (germline): Benign/Likely benign. Review status: criteria provided, multiple submitters, no conflicts (2 of 4 stars). 3 submissions from 3 submitters: Benign (1); Likely benign (2). Last evaluated 2026-05-14.

Conditions:
Neurofibromatosis, type 1 (NF1). Also called: Peripheral type neurofibromatosis; NEUROFIBROMATOSIS, TYPE I, SOMATIC; VON RECKLINGHAUSEN DISEASE; Neurofibromatosis, type I. Identifiers: Orphanet 636, MedGen C0027831, MONDO:0018975, OMIM 162200. Disease mechanism: loss of function.
Cardiovascular phenotype. Identifiers: MedGen CN230736.
Hereditary cancer-predisposing syndrome. Also called: Neoplastic Syndromes, Hereditary; Tumor predisposition; Hereditary Cancer Syndrome; Hereditary neoplastic syndrome. Identifiers: Orphanet 140162, MedGen C0027672, MeSH D009386, MONDO:0015356.

Allele frequency attached by ClinVar (database versions not stated): gnomAD exomes below 0.00001; gnomAD 0.00001; TOPMed below 0.00001; ExAC 0.00001.
gnomAD v4.1: 3 of 1,614,028 alleles (0.00019%); highest among the groups gnomAD compares: African/African-American, 0.0013%; no homozygotes.

Submissions (3):

Myriad Genetics, Inc.
Classification: Benign for Neurofibromatosis, type 1. Last evaluated: 2026-05-14. Review status: criteria provided, single submitter. Criteria: Myriad Autosomal Dominant, Autosomal Recessive and X-Linked Classification Criteria (2023). Collection method: clinical testing. Allele origin: unknown.
Comment: This variant is considered benign. This variant is a silent/synonymous amino acid change and it is not expected to impact splicing.

Labcorp Genetics (formerly Invitae), Labcorp
Classification: Likely benign for Neurofibromatosis, type 1. Last evaluated: 2026-01-10. Review status: criteria provided, single submitter. Criteria: Invitae Variant Classification Sherloc (09022015). Collection method: clinical testing. Allele origin: germline.

Ambry Genetics
Classification: Likely benign for Cardiovascular phenotype; Hereditary cancer-predisposing syndrome. Last evaluated: 2021-07-13. Review status: criteria provided, single submitter. Criteria: Ambry Variant Classification Scheme 2023. Collection method: clinical testing. Allele origin: germline.